The following is an entry in ClinVar:

ClinVar aggregate classification (germline): Uncertain significance (1 of 4 stars; one submission).

gnomAD v4.1: 1 of 1,264,240 alleles (0.000079%); highest among the groups gnomAD compares: Non-Finnish European, 0.0001%; no homozygotes.

Submission:

GeneDx
Classification: Uncertain significance. Last evaluated: 2024-08-01. Review status: criteria provided, single submitter. Criteria: GeneDx Variant Classification Process June 2021. Collection method: clinical testing. Allele origin: germline. Affected: yes.
Comment: Not observed at significant frequency in large population cohorts (gnomAD); In silico analysis indicates that this missense variant does not alter protein structure/function; Has not been previously published as pathogenic or benign to our knowledge

NM_080473.5(GATA5):c.331C>G (p.Arg111Gly)

Gene: GATA5 (GATA binding protein 5; minus strand). Cytogenetic location: 20q13.33.
Variant type: single nucleotide variant.
Coding change: c.331C>G on transcript NM_080473.5 (MANE Select); coding-DNA position 331, C replaced by G.
Protein change: p.Arg111Gly; replaces arginine 111 with glycine.
Molecular consequence: missense variant.
Genome position (GRCh38, 1-based): chr20:62,475,191, G>C on the plus strand (C>G on the coding strand, the complement: GATA5 is on the minus strand). VCF-style: chr20-62475191-G-C. GRCh37 (hg19) VCF-style: chr20-61050247-G-C.
Other names: short protein forms R111G.
Identifiers: ClinVar variation 3602147 (VCV003602147.1).